The following is an entry in ClinVar:

ClinVar aggregate classification (germline): Pathogenic (1 of 4 stars; one submission).

Conditions:
Congenital myasthenic syndrome 4A. Also called: Myasthenic syndrome, congenital, 4a, slow-channel; MYASTHENIC SYNDROME, CONGENITAL, 4A, SLOW-CHANNEL, AUTOSOMAL RECESSIVE; CONGENITAL MYASTHENIC SYNDROME TYPE Ia1. Identifiers: Orphanet 590, MedGen C4225413, MONDO:0011600, OMIM 605809.

Submission:

Labcorp Genetics (formerly Invitae), Labcorp
Classification: Pathogenic for Congenital myasthenic syndrome 4A. Last evaluated: 2023-02-18. Review status: criteria provided, single submitter. Criteria: Invitae Variant Classification Sherloc (09022015). Collection method: clinical testing. Allele origin: germline.
Comment: For these reasons, this variant has been classified as Pathogenic. ClinVar contains an entry for this variant (Variation ID: 1076580). This variant has not been reported in the literature in individuals affected with CHRNE-related conditions. This variant is not present in population databases (gnomAD no frequency). This sequence change creates a premature translational stop signal (p.Ile277Asnfs*120) in the CHRNE gene. It is expected to result in an absent or disrupted protein product. Loss-of-function variants in CHRNE are known to be pathogenic (PMID: 22678886).

Literature cited by the submitters: PubMed 22678886.

NM_000080.4(CHRNE):c.829dup (p.Ile277fs)

Genes: C17orf107 (chromosome 17 open reading frame 107; plus strand), CHRNE (cholinergic receptor nicotinic epsilon subunit; minus strand). Cytogenetic location: 17p13.2.
Variant type: Duplication.
Coding change: c.829dup on transcript NM_000080.4 (MANE Select); coding-DNA position 829, one base duplicated (A; older notation c.829dupA).
Protein change: p.Ile277fs; shifts the reading frame from isoleucine 277.
Molecular consequence: frameshift variant. On other transcripts: 3 prime UTR variant (1).
Genome position (GRCh38, 1-based): chr17:4,900,881, T duplicated on the plus strand (A on the coding strand, the reverse complement: CHRNE is on the minus strand). VCF-style (leftmost placement, unchanged base first): chr17-4900880-A-AT. GRCh37 (hg19) VCF-style: chr17-4804175-A-AT.
Other names: c.*348dup (NM_001145536.2); short protein forms I277fs.
Identifiers: ClinVar variation 1076580 (VCV001076580.7), dbSNP rs2151097082, ClinGen allele CA2499224695.
Genomic context (GRCh38, chr17:4,900,880, plus strand): 5'-GTCTCTGGGATTTTCTGGGCAATGAGGAACAAGAAGACGGTCTGGGCGAGCAGGACGTTG[A>AT]TGGAGACCGTGCATTTCTGGCCGCCGGCTGGAGGGAGAGCCAGTGAGAGCGGGCCCCGCC-3'